The following is an entry in ClinVar:

NM_001267550.2(TTN):c.57292G>A (p.Val19098Ile)

Genes: TTN (titin; minus strand), TTN-AS1 (TTN antisense RNA 1; plus strand). Cytogenetic location: 2q31.2.
Variant type: single nucleotide variant.
Coding change: c.57292G>A on transcript NM_001267550.2 (MANE Select); coding-DNA position 57292, G replaced by A.
Protein change: p.Val19098Ile; replaces valine 19098 with isoleucine.
Molecular consequence: missense variant.
Genome position (GRCh38, 1-based): chr2:178,597,790, C>T on the plus strand (G>A on the coding strand, the complement: TTN is on the minus strand). VCF-style: chr2-178597790-C-T. GRCh37 (hg19) VCF-style: chr2-179462517-C-T.
Other names: c.49588G>A, p.Val16530Ile (NM_133378.4); c.52369G>A, p.Val17457Ile (NM_001256850.1); c.30097G>A, p.Val10033Ile (NM_003319.4); c.30472G>A, p.Val10158Ile (NM_133432.3); c.30673G>A, p.Val10225Ile (NM_133437.4); short protein forms V16530I, V19098I, V10033I, V10225I, V17457I, V10158I.
Identifiers: ClinVar variation 165953 (VCV000165953.5), dbSNP rs727503592, ClinGen allele CA178675.

ClinVar aggregate classification (germline): Uncertain significance (1 of 4 stars; one submission).

Allele frequency attached by ClinVar (database versions not stated): gnomAD exomes 0.00001 and 0.00002; ExAC 0.00002.
gnomAD v4.1: 13 of 1,613,212 alleles (0.00081%); highest among the groups gnomAD compares: South Asian, 0.0066%; no homozygotes.

Submission:

Laboratory for Molecular Medicine, Mass General Brigham Personalized Medicine
Classification: Uncertain significance. Last evaluated: 2014-03-21. Review status: criteria provided, single submitter. Criteria: LMM Criteria. Collection method: clinical testing. Allele origin: germline. Observed: 1 variant allele.
Comment: The Val16530Ile variant in TTN has not been reported in individuals with cardiom yopathy or in large population studies. Computational prediction tools and conse rvation analysis suggest that this variant may impact the protein, though this i nformation is not predictive enough to determine pathogenicity. Additional infor mation is needed to fully assess the clinical significance of the Val16530Ile va riant.